The following is an entry in ClinVar:

ClinVar aggregate classification (germline): Uncertain significance (1 of 4 stars; one submission).

Conditions:
Hereditary cancer-predisposing syndrome. Also called: Neoplastic Syndromes, Hereditary; Tumor predisposition; Hereditary Cancer Syndrome; Hereditary neoplastic syndrome. Identifiers: Orphanet 140162, MedGen C0027672, MeSH D009386, MONDO:0015356.

gnomAD v4.1: 1 of 1,612,498 alleles (0.000062%); highest among the groups gnomAD compares: Non-Finnish European, 0.000085%; no homozygotes.

Submission:

Ambry Genetics
Classification: Uncertain significance for Hereditary cancer-predisposing syndrome. Last evaluated: 2026-02-24. Review status: criteria provided, single submitter. Criteria: Ambry Variant Classification Scheme 2023. Collection method: clinical testing. Allele origin: germline.
Comment: The p.E358K variant (also known as c.1072G>A), located in coding exon 7 of the MSH3 gene, results from a G to A substitution at nucleotide position 1072. The glutamic acid at codon 358 is replaced by lysine, an amino acid with similar properties. This amino acid position is conserved. In addition, the in silico prediction for this alteration is inconclusive. Based on the available evidence, the clinical significance of this variant remains unclear.

NM_002439.5(MSH3):c.1072G>A (p.Glu358Lys)

Gene: MSH3 (mutS homolog 3; plus strand). Cytogenetic location: 5q14.1.
Variant type: single nucleotide variant.
Coding change: c.1072G>A on transcript NM_002439.5 (MANE Select); coding-DNA position 1072, G replaced by A.
Protein change: p.Glu358Lys; replaces glutamic acid 358 with lysine.
Molecular consequence: missense variant.
Genome position (GRCh38, 1-based): chr5:80,675,027, G>A. VCF-style: chr5-80675027-G-A. GRCh37 (hg19) VCF-style: chr5-79970846-G-A.
Other names: short protein forms E358K.
Identifiers: ClinVar variation 4826786 (VCV004826786.1).
Genomic context (GRCh38, chr5:80,675,027, plus strand): 5'-CTTTAATTATTATTAAATGTGAATCCCCTAATCAAGCTGGATGATGCTGTAAATGTTGAT[G>A]AGATAATGACTGATACTTCTACCAGCTATCTTCTGTGCATCTCTGAAAATAAGGAAAATG-3'
Protein context (NP_002430.3, residues 348-368): IKLDDAVNVD[Glu358Lys]IMTDTSTSYL